The following is an entry in ClinVar:

ClinVar aggregate classification (germline): Uncertain significance (1 of 4 stars; one submission).

Conditions:
T-B+ severe combined immunodeficiency due to JAK3 deficiency. Also called: SCID, autosomal recessive, T-negative/B-positive type; SCID, T CELL-NEGATIVE, B CELL-POSITIVE, NK CELL-NEGATIVE. Identifiers: Orphanet 35078, MedGen C1833275, MONDO:0010938, OMIM 600802.

gnomAD v4.1: 1 of 1,614,144 alleles (0.000062%); highest among the groups gnomAD compares: Non-Finnish European, 0.000085%; no homozygotes.

Submission:

Labcorp Genetics (formerly Invitae), Labcorp
Classification: Uncertain significance for T-B+ severe combined immunodeficiency due to JAK3 deficiency. Last evaluated: 2022-08-19. Review status: criteria provided, single submitter. Criteria: Invitae Variant Classification Sherloc (09022015). Collection method: clinical testing. Allele origin: germline.
Comment: In summary, the available evidence is currently insufficient to determine the role of this variant in disease. Therefore, it has been classified as a Variant of Uncertain Significance. Advanced modeling of protein sequence and biophysical properties (such as structural, functional, and spatial information, amino acid conservation, physicochemical variation, residue mobility, and thermodynamic stability) performed at Invitae indicates that this missense variant is not expected to disrupt JAK3 protein function. This variant has not been reported in the literature in individuals affected with JAK3-related conditions. This variant is not present in population databases (gnomAD no frequency). This sequence change replaces glutamine, which is neutral and polar, with lysine, which is basic and polar, at codon 510 of the JAK3 protein (p.Gln510Lys).

NM_000215.4(JAK3):c.1528C>A (p.Gln510Lys)

Gene: JAK3 (Janus kinase 3; minus strand). Cytogenetic location: 19p13.11.
Variant type: single nucleotide variant.
Coding change: c.1528C>A on transcript NM_000215.4 (MANE Select); coding-DNA position 1528, C replaced by A.
Protein change: p.Gln510Lys; replaces glutamine 510 with lysine.
Molecular consequence: missense variant.
Genome position (GRCh38, 1-based): chr19:17,838,304, G>T on the plus strand (C>A on the coding strand, the complement: JAK3 is on the minus strand). VCF-style: chr19-17838304-G-T. GRCh37 (hg19) VCF-style: chr19-17949113-G-T.
Other names: short protein forms Q510K.
Identifiers: ClinVar variation 1977756 (VCV001977756.3), dbSNP rs763628238, ClinGen allele CA404769878.